The following is an entry in ClinVar:

ClinVar aggregate classification (germline): Uncertain significance (1 of 4 stars; one submission).

Conditions:
Hypertrophic cardiomyopathy 14. Identifiers: MedGen C2750467, MONDO:0013197, OMIM 613251.

Submission:

Labcorp Genetics (formerly Invitae), Labcorp
Classification: Uncertain significance for Hypertrophic cardiomyopathy 14. Last evaluated: 2018-11-27. Review status: criteria provided, single submitter. Criteria: Invitae Variant Classification Sherloc (09022015). Collection method: clinical testing. Allele origin: germline.
Comment: In summary, the available evidence is currently insufficient to determine the role of this variant in disease. Therefore, it has been classified as a Variant of Uncertain Significance. Algorithms developed to predict the effect of missense changes on protein structure and function are either unavailable or do not agree on the potential impact of this missense change (SIFT: "Deleterious"; PolyPhen-2: "Probably Damaging"; Align-GVGD: "Class C0"). This variant has not been reported in the literature in individuals with MYH6-related conditions. This variant is not present in population databases (ExAC no frequency). This sequence change replaces glutamic acid with lysine at codon 1888 of the MYH6 protein (p.Glu1888Lys). The glutamic acid residue is moderately conserved and there is a small physicochemical difference between glutamic acid and lysine.

NM_002471.4(MYH6):c.5662G>A (p.Glu1888Lys)

Gene: MYH6 (myosin heavy chain 6; minus strand). Cytogenetic location: 14q11.2.
Variant type: single nucleotide variant.
Coding change: c.5662G>A on transcript NM_002471.4 (MANE Select); coding-DNA position 5662, G replaced by A.
Protein change: p.Glu1888Lys; replaces glutamic acid 1888 with lysine.
Molecular consequence: missense variant.
Genome position (GRCh38, 1-based): chr14:23,382,562, C>T on the plus strand (G>A on the coding strand, the complement: MYH6 is on the minus strand). VCF-style: chr14-23382562-C-T. GRCh37 (hg19) VCF-style: chr14-23851771-C-T.
Other names: short protein forms E1888K.
Identifiers: ClinVar variation 640276 (VCV000640276.8), dbSNP rs947393801, ClinGen allele CA388982075.
Genomic context (GRCh38, chr14:23,382,562, plus strand): 5'-CCTCATCCAGCTCATGCTGCACCTTGCGGAACTTGGACAGGTTGGTGTTGGCTTGCTCCT[C>T]CTGTGGTGGGACAGTGGGGATGGGTGAATGAGCTGGAGATGGGCTATGGGATTCTCAGCC-3'
Protein context (NP_002462.2, residues 1878-1898): KAYKRQAEEA[Glu1888Lys]EQANTNLSKF